The following is an entry in ClinVar:

NM_001379200.1(TBX1):c.1037-7_1037-6del

Gene: TBX1 (T-box transcription factor 1; plus strand). Cytogenetic location: 22q11.21.
Variant type: Microsatellite.
Coding change: c.1037-7_1037-6del on transcript NM_001379200.1 (MANE Select); 7 bases into the intron before coding-DNA position 1037 through 6 bases into the intron before coding-DNA position 1037, 2 bases deleted (TC; older notation c.1037-7_1037-6delTC).
Molecular consequence: intron variant.
Genome position (GRCh38, 1-based): chr22:19,766,382-19,766,383, TC deleted; deleting any 2 consecutive bases within chr22:19,766,379-19,766,383 gives the same sequence; the c. name uses the placement nearest the transcript's 3' end. VCF-style (leftmost placement, unchanged base first): chr22-19766378-CCT-C. GRCh37 (hg19) VCF-style: chr22-19753901-CCT-C.
Other names: c.1009+380_1009+381del (NM_005992.1, NM_080646.2); c.1010-7_1010-6del (NM_080647.1).
Identifiers: ClinVar variation 805625 (VCV000805625.10), dbSNP rs1037168604, ClinGen allele CA322058074.
Genomic context (GRCh38, chr22:19,766,378, plus strand): 5'-GCCTCGCATGGGGCGTCGGAGCTCCTCGGCGGCCCCGGCCGGCCGCGCTCACTCCTCGGC[CCT>C]CTCCGCAGACGCGGCTGAGGCCCGGCGAGAATTCCAGCGCGACGCGGGCGGGCCAGCAGT-3'

ClinVar aggregate classification (germline): Uncertain significance. Review status: criteria provided, multiple submitters, no conflicts (2 of 4 stars). 2 submissions from 2 submitters: Uncertain significance (2). Last evaluated 2025-10-02.

Conditions:
DiGeorge syndrome. Also called: THIRD AND FOURTH PHARYNGEAL POUCH SYNDROME; Catch22. Identifiers: Orphanet 567, MedGen C0012236, MONDO:0008564, OMIM 188400.

Submissions (2):

Labcorp Genetics (formerly Invitae), Labcorp
Classification: Uncertain significance for DiGeorge syndrome. Last evaluated: 2025-10-02. Review status: criteria provided, single submitter. Criteria: Invitae Variant Classification Sherloc (09022015). Collection method: clinical testing. Allele origin: germline.
Comment: This sequence change falls in intron 8 of the TBX1 gene. It does not directly change the encoded amino acid sequence of the TBX1 protein. This variant is not present in population databases (gnomAD no frequency). This variant has not been reported in the literature in individuals affected with TBX1-related conditions. ClinVar contains an entry for this variant (Variation ID: 805625). Algorithms developed to predict the effect of sequence changes on RNA splicing suggest that this variant may disrupt the consensus splice site. In summary, the available evidence is currently insufficient to determine the role of this variant in disease. Therefore, it has been classified as a Variant of Uncertain Significance.

Athena Diagnostics
Classification: Uncertain significance. Last evaluated: 2019-07-02. Review status: criteria provided, single submitter. Criteria: Athena Diagnostics Criteria. Collection method: clinical testing. Allele origin: germline.